The following is an entry in ClinVar:

ClinVar aggregate classification (germline): Benign. Review status: criteria provided, single submitter (1 of 4 stars). 2 submissions from 2 submitters: Benign (1). 1 of the submissions does not count toward it. Last evaluated 2019-12-31.

Conditions:
CIC-related disorder. Also called: CIC-related condition.

Allele frequency attached by ClinVar (database versions not stated): gnomAD exomes 0.00027; ExAC 0.00037; 1000 Genomes Project 0.00080; ESP Exome Variant Server 0.00085; 1000 Genomes Project 30x 0.00094; TOPMed 0.00153.

Submissions (2):

Labcorp Genetics (formerly Invitae), Labcorp
Classification: Benign. Last evaluated: 2019-12-31. Review status: criteria provided, single submitter. Criteria: Invitae Variant Classification Sherloc (09022015). Collection method: clinical testing. Allele origin: germline.

PreventionGenetics, part of Exact Sciences
Classification: Likely benign for CIC-related condition. Last evaluated: 2019-04-02. Review status: no assertion criteria provided. Collection method: clinical testing. Allele origin: germline. Not counted in ClinVar's aggregate classification.
Comment: This variant is classified as likely benign based on ACMG/AMP sequence variant interpretation guidelines (Richards et al. 2015 PMID: 25741868, with internal and published modifications).

NM_001386298.1(CIC):c.6768-10G>A

Gene: CIC (capicua transcriptional repressor; plus strand). Cytogenetic location: 19q13.2.
Variant type: single nucleotide variant.
Coding change: c.6768-10G>A on transcript NM_001386298.1 (MANE Select); 10 bases into the intron before coding-DNA position 6768, G replaced by A.
Molecular consequence: intron variant.
Genome position (GRCh38, 1-based): chr19:42,293,925, G>A. VCF-style: chr19-42293925-G-A. GRCh37 (hg19) VCF-style: chr19-42798077-G-A.
Other names: c.6768-10G>A (NM_001304815.2); c.6768-13G>A (NM_001379482.1); c.6765-10G>A (NM_001379480.1); c.4041-10G>A (NM_015125.5, NM_001379484.1); c.4041-13G>A (NM_001379485.1).
Identifiers: ClinVar variation 717577 (VCV000717577.6), dbSNP rs200524562, ClinGen allele CA9472836.
Genomic context (GRCh38, chr19:42,293,925, plus strand): 5'-CGTGTTAGGGTGGCGGGAGTGGGAGCAGCTGCAGGCTGAGGCGGGGGAGGTGACCCTGCC[G>A]GCCCTCCAGCAGGGTCCTGTCAGAAGTGGACTTCGAAGAGCGCTTTGCTGAGTTGCCTGA-3'